The following is an entry in ClinVar:

ClinVar aggregate classification (germline): Benign/Likely benign. Review status: criteria provided, multiple submitters, no conflicts (2 of 4 stars). 2 submissions from 2 submitters: Benign (1); Likely benign (1). Last evaluated 2025-06-29.

Conditions:
Tuberous sclerosis syndrome (TSC). Also called: Tuberous Sclerosis Complex; Tuberous sclerosis. Identifiers: Orphanet 805, MedGen C0041341, MONDO:0001734.
Tuberous sclerosis 1 (TSC1). Identifiers: Orphanet 805, MedGen C1854465, MONDO:0008612, OMIM 191100.

Submissions (2):

Color Diagnostics, LLC DBA Color Health
Classification: Likely benign for Tuberous sclerosis syndrome. Last evaluated: 2025-06-29. Review status: criteria provided, single submitter. Criteria: ACMG Guidelines, 2015. Collection method: clinical testing. Allele origin: germline.

Myriad Genetics, Inc.
Classification: Benign for Tuberous sclerosis 1. Last evaluated: 2025-04-29. Review status: criteria provided, single submitter. Criteria: Myriad Autosomal Dominant, Autosomal Recessive and X-Linked Classification Criteria (2023). Collection method: clinical testing. Allele origin: unknown.
Comment: This variant is considered benign. This variant is a silent/synonymous amino acid change and it is not expected to impact splicing.

NM_000368.5(TSC1):c.2772G>A (p.Leu924=)

Gene: TSC1 (TSC complex subunit 1; minus strand). Cytogenetic location: 9q34.13.
Variant type: single nucleotide variant.
Coding change: c.2772G>A on transcript NM_000368.5 (MANE Select); coding-DNA position 2772, G replaced by A.
Protein change: p.Leu924=; no amino-acid change (leucine 924 retained).
Molecular consequence: synonymous variant. On other transcripts: non-coding transcript variant (5).
Genome position (GRCh38, 1-based): chr9:132,897,464, C>T on the plus strand (G>A on the coding strand, the complement: TSC1 is on the minus strand). VCF-style: chr9-132897464-C-T. GRCh37 (hg19) VCF-style: chr9-135772851-C-T.
Other names: c.2619G>A, p.Leu873= (NM_001406610.1, NM_001162427.2); c.2616G>A, p.Leu872= (NM_001406611.1, NM_001406612.1); c.2574G>A, p.Leu858= (NM_001406613.1); c.2409G>A, p.Leu803= (NM_001406614.1, NM_001406615.1, NM_001406616.1 and 4 more transcripts); c.2406G>A, p.Leu802= (NM_001406620.1, NM_001406621.1, NM_001406622.1 and 1 more transcripts); c.2769G>A, p.Leu923= (NM_001162426.2, NM_001406597.1, NM_001406598.1 and 2 more transcripts); c.2772G>A, p.Leu924= (NM_001406592.1, NM_001406593.1, NM_001406594.1 and 2 more transcripts); c.2757G>A, p.Leu919= (NM_001406601.1, NM_001406602.1); and 8 more.
Identifiers: ClinVar variation 4071116 (VCV004071116.2).